The following is an entry in ClinVar:

NM_017534.6(MYH2):c.3697G>T (p.Glu1233Ter)

Genes: MYHAS (myosin heavy chain gene cluster antisense RNA; plus strand), MYH2 (myosin heavy chain 2; minus strand). Cytogenetic location: 17p13.1.
Variant type: single nucleotide variant.
Coding change: c.3697G>T on transcript NM_017534.6 (MANE Select); coding-DNA position 3697, G replaced by T.
Protein change: p.Glu1233Ter; replaces glutamic acid 1233 with a stop codon.
Molecular consequence: nonsense.
Genome position (GRCh38, 1-based): chr17:10,528,737, C>A on the plus strand (G>T on the coding strand, the complement: MYH2 is on the minus strand). VCF-style: chr17-10528737-C-A. GRCh37 (hg19) VCF-style: chr17-10432054-C-A.
Other names: c.3697G>T, p.Glu1233Ter (NM_001100112.2); short protein forms E1233*.
Identifiers: ClinVar variation 2149623 (VCV002149623.4), dbSNP rs1435997919, ClinGen allele CA398132540.

ClinVar aggregate classification (germline): Pathogenic (1 of 4 stars; one submission).

Conditions:
Myopathy, proximal, and ophthalmoplegia (CMYO6). Also called: MYOPATHY WITH CONGENITAL JOINT CONTRACTURES, OPHTHALMOPLEGIA, AND RIMMED VACUOLES; CONGENITAL MYOPATHY 6 WITH OPHTHALMOPLEGIA; INCLUSION BODY MYOPATHY 3, AUTOSOMAL DOMINANT. Identifiers: Orphanet 363677, Orphanet 79091, MedGen C1854106, MONDO:0011577, OMIM 605637.

Allele frequency attached by ClinVar (database versions not stated): gnomAD 0.00001; TOPMed 0.00001.
gnomAD v4.1: 2 of 1,613,956 alleles (0.00012%); highest among the groups gnomAD compares: African/African-American, 0.0027%; no homozygotes.

Submission:

Labcorp Genetics (formerly Invitae), Labcorp
Classification: Pathogenic for Myopathy, proximal, and ophthalmoplegia. Last evaluated: 2024-02-26. Review status: criteria provided, single submitter. Criteria: Invitae Variant Classification Sherloc (09022015). Collection method: clinical testing. Allele origin: germline.
Comment: This sequence change creates a premature translational stop signal (p.Glu1233*) in the MYH2 gene. It is expected to result in an absent or disrupted protein product. Loss-of-function variants in MYH2 are known to be pathogenic (PMID: 20418530, 23388406, 24193343). This variant is not present in population databases (gnomAD no frequency). This variant has not been reported in the literature in individuals affected with MYH2-related conditions. ClinVar contains an entry for this variant (Variation ID: 2149623). Algorithms developed to predict the effect of sequence changes on RNA splicing suggest that this variant may disrupt the consensus splice site. For these reasons, this variant has been classified as Pathogenic.

Literature cited by the submitters: PubMed 20418530; PubMed 23388406; PubMed 24193343.